The following is an entry in ClinVar:

ClinVar aggregate classification (germline): Uncertain significance. Review status: criteria provided, multiple submitters, no conflicts (2 of 4 stars). 3 submissions from 3 submitters: Uncertain significance (3). Last evaluated 2023-02-13.

Conditions:
Hereditary cancer-predisposing syndrome. Also called: Hereditary neoplastic syndrome; Neoplastic Syndromes, Hereditary; Tumor predisposition; Hereditary Cancer Syndrome. Identifiers: Orphanet 140162, MedGen C0027672, MeSH D009386, MONDO:0015356.
Renal cell carcinoma. Identifiers: Orphanet 217071, MedGen C0007134, MeSH D002292, MONDO:0005086, HP:0005584.

Allele frequency attached by ClinVar (database versions not stated): gnomAD exomes below 0.00001.
gnomAD v4.1: 1 of 1,614,010 alleles (0.000062%); highest among the groups gnomAD compares: Non-Finnish European, 0.000085%; no homozygotes.

Submissions (3):

Labcorp Genetics (formerly Invitae), Labcorp
Classification: Uncertain significance for Renal cell carcinoma. Last evaluated: 2023-02-13. Review status: criteria provided, single submitter. Criteria: Invitae Variant Classification Sherloc (09022015). Collection method: clinical testing. Allele origin: germline.
Comment: In summary, the available evidence is currently insufficient to determine the role of this variant in disease. Therefore, it has been classified as a Variant of Uncertain Significance. ClinVar contains an entry for this variant (Variation ID: 1319317). Advanced modeling of protein sequence and biophysical properties (such as structural, functional, and spatial information, amino acid conservation, physicochemical variation, residue mobility, and thermodynamic stability) performed at Invitae indicates that this missense variant is not expected to disrupt MET protein function. This variant has not been reported in the literature in individuals affected with MET-related conditions. This variant is not present in population databases (gnomAD no frequency). This sequence change replaces valine, which is neutral and non-polar, with isoleucine, which is neutral and non-polar, at codon 197 of the MET protein (p.Val197Ile).

Institute for Clinical Genetics, University Hospital TU Dresden, University Hospital TU Dresden
Classification: Uncertain significance. Last evaluated: 2021-11-03. Review status: criteria provided, single submitter. Criteria: ACMG Guidelines, 2015. Collection method: clinical testing. Allele origin: germline.

Ambry Genetics
Classification: Uncertain significance for Hereditary cancer-predisposing syndrome. Last evaluated: 2021-02-18. Review status: criteria provided, single submitter. Criteria: Ambry Variant Classification Scheme 2023. Collection method: clinical testing. Allele origin: germline.
Comment: The p.V197I variant (also known as c.589G>A), located in coding exon 1 of the MET gene, results from a G to A substitution at nucleotide position 589. The valine at codon 197 is replaced by isoleucine, an amino acid with highly similar properties. This amino acid position is well conserved in available vertebrate species. In addition, this alteration is predicted to be tolerated by in silico analysis. Since supporting evidence is limited at this time, the clinical significance of this alteration remains unclear.

NM_000245.4(MET):c.589G>A (p.Val197Ile)

Gene: MET (MET proto-oncogene, receptor tyrosine kinase; plus strand). Cytogenetic location: 7q31.2.
Variant type: single nucleotide variant.
Coding change: c.589G>A on transcript NM_000245.4 (MANE Select); coding-DNA position 589, G replaced by A.
Protein change: p.Val197Ile; replaces valine 197 with isoleucine.
Molecular consequence: missense variant. On other transcripts: intron variant (1).
Genome position (GRCh38, 1-based): chr7:116,699,673, G>A. VCF-style: chr7-116699673-G-A. GRCh37 (hg19) VCF-style: chr7-116339727-G-A.
Other names: c.589G>A, p.Val197Ile (NM_001127500.3, NM_001324401.3); c.-91+27096G>A (NM_001324402.2); short protein forms V197I.
Identifiers: ClinVar variation 1319317 (VCV001319317.8), dbSNP rs2116592694, ClinGen allele CA368969410.